The following is an entry in ClinVar:

NM_000368.5(TSC1):c.844T>G (p.Ser282Ala)

Gene: TSC1 (TSC complex subunit 1; minus strand). Cytogenetic location: 9q34.13.
Variant type: single nucleotide variant.
Coding change: c.844T>G on transcript NM_000368.5 (MANE Select); coding-DNA position 844, T replaced by G.
Protein change: p.Ser282Ala; replaces serine 282 with alanine.
Molecular consequence: missense variant.
Genome position (GRCh38, 1-based): chr9:132,912,351, A>C on the plus strand (T>G on the coding strand, the complement: TSC1 is on the minus strand). VCF-style: chr9-132912351-A-C. GRCh37 (hg19) VCF-style: chr9-135787738-A-C.
Other names: c.844T>G, p.Ser282Ala (NM_001162426.2, NM_001406592.1, NM_001406593.1 and 16 more transcripts); c.691T>G, p.Ser231Ala (NM_001162427.2, NM_001406610.1, NM_001406611.1 and 2 more transcripts); c.481T>G, p.Ser161Ala (NM_001362177.2, NM_001406616.1, NM_001406617.1 and 10 more transcripts); c.-108T>G (NM_001406626.1, NM_001406627.1, NM_001406628.1); c.-250T>G (NM_001406629.1, NM_001406630.1); short protein forms S161A, S231A, S282A.
Identifiers: ClinVar variation 1709191 (VCV001709191.7), dbSNP rs2131998892, ClinGen allele CA375369273.

ClinVar aggregate classification (germline): Uncertain significance. Review status: criteria provided, multiple submitters, no conflicts (2 of 4 stars). 4 submissions from 4 submitters: Uncertain significance (4). Last evaluated 2026-04-11.

Conditions:
Hereditary cancer-predisposing syndrome. Also called: Hereditary Cancer Syndrome; Neoplastic Syndromes, Hereditary; Hereditary neoplastic syndrome; Tumor predisposition. Identifiers: Orphanet 140162, MedGen C0027672, MeSH D009386, MONDO:0015356.
Tuberous sclerosis syndrome (TSC). Also called: Tuberous Sclerosis Complex; Tuberous sclerosis. Identifiers: Orphanet 805, MedGen C0041341, MONDO:0001734.
Tuberous sclerosis 1 (TSC1). Identifiers: Orphanet 805, MedGen C1854465, MONDO:0008612, OMIM 191100.

Submissions (4):

Ambry Genetics
Classification: Uncertain significance for Hereditary cancer-predisposing syndrome. Last evaluated: 2026-04-11. Review status: criteria provided, single submitter. Criteria: Ambry Variant Classification Scheme 2023. Collection method: clinical testing. Allele origin: germline.
Comment: The p.S282A variant (also known as c.844T>G), located in coding exon 7 of the TSC1 gene, results from a T to G substitution at nucleotide position 844. The serine at codon 282 is replaced by alanine, an amino acid with similar properties. This amino acid position is conserved. In addition, this alteration is predicted to be tolerated by in silico analysis. Based on the available evidence, the clinical significance of this variant remains unclear.

All of Us Research Program, National Institutes of Health
Classification: Uncertain significance for Tuberous sclerosis syndrome. Last evaluated: 2023-03-28. Review status: criteria provided, single submitter. Criteria: ACMG Guidelines, 2015. Collection method: clinical testing. Allele origin: germline. Inheritance: Autosomal dominant inheritance. Observed: 1 variant allele, 1 heterozygote.
Comment: This study involves interpretation of variants in research participants for the purpose of population health screening. Participant phenotype was not available at the time of variant classification. Additional details can be found in publication PMID: 35346344, PMCID: PMC8962531

Labcorp Genetics (formerly Invitae), Labcorp
Classification: Uncertain significance for Tuberous sclerosis 1. Last evaluated: 2023-01-12. Review status: criteria provided, single submitter. Criteria: Invitae Variant Classification Sherloc (09022015). Collection method: clinical testing. Allele origin: germline.
Comment: This sequence change replaces serine, which is neutral and polar, with alanine, which is neutral and non-polar, at codon 282 of the TSC1 protein (p.Ser282Ala). This variant is not present in population databases (gnomAD no frequency). This variant has not been reported in the literature in individuals affected with TSC1-related conditions. ClinVar contains an entry for this variant (Variation ID: 1709191). Advanced modeling of protein sequence and biophysical properties (such as structural, functional, and spatial information, amino acid conservation, physicochemical variation, residue mobility, and thermodynamic stability) performed at Invitae indicates that this missense variant is not expected to disrupt TSC1 protein function. In summary, the available evidence is currently insufficient to determine the role of this variant in disease. Therefore, it has been classified as a Variant of Uncertain Significance.

MGZ Medical Genetics Center
Classification: Uncertain significance for Tuberous sclerosis 1. Last evaluated: 2022-02-14. Review status: criteria provided, single submitter. Criteria: ACMG Guidelines, 2015. Collection method: clinical testing. Allele origin: germline. Affected: yes. Observed: 1 variant allele.
Comment: ACMG criteria applied: PM2_SUP, PP3